The following is an entry in ClinVar:

ClinVar aggregate classification (germline): Uncertain significance (1 of 4 stars; one submission).

Conditions:
RASopathy. Also called: rasopathies; Noonan spectrum disorder. Identifiers: Orphanet 536391, MedGen C5555857, MONDO:0021060.

Submission:

Labcorp Genetics (formerly Invitae), Labcorp
Classification: Uncertain significance for RASopathy. Last evaluated: 2021-02-03. Review status: criteria provided, single submitter. Criteria: Invitae Variant Classification Sherloc (09022015). Collection method: clinical testing. Allele origin: germline.
Comment: This variant has not been reported in the literature in individuals with CBL-related conditions. Advanced modeling of protein sequence and biophysical properties (such as structural, functional, and spatial information, amino acid conservation, physicochemical variation, residue mobility, and thermodynamic stability) performed at Invitae indicates that this missense variant is expected to disrupt CBL protein function. In summary, the available evidence is currently insufficient to determine the role of this variant in disease. Therefore, it has been classified as a Variant of Uncertain Significance. This variant is not present in population databases (ExAC no frequency). This sequence change replaces glycine with arginine at codon 136 of the CBL protein (p.Gly136Arg). The glycine residue is highly conserved and there is a moderate physicochemical difference between glycine and arginine.

NM_005188.4(CBL):c.406G>A (p.Gly136Arg)

Gene: CBL (Cbl proto-oncogene; plus strand). Cytogenetic location: 11q23.3.
Variant type: single nucleotide variant.
Coding change: c.406G>A on transcript NM_005188.4 (MANE Select); coding-DNA position 406, G replaced by A.
Protein change: p.Gly136Arg; replaces glycine 136 with arginine.
Molecular consequence: missense variant.
Genome position (GRCh38, 1-based): chr11:119,232,658, G>A. VCF-style: chr11-119232658-G-A. GRCh37 (hg19) VCF-style: chr11-119103368-G-A.
Other names: short protein forms G136R.
Identifiers: ClinVar variation 1516948 (VCV001516948.8), dbSNP rs2135266379, ClinGen allele CA382895759.